The following is an entry in ClinVar:

ClinVar aggregate classification (germline): Uncertain significance. Review status: criteria provided, multiple submitters, no conflicts (2 of 4 stars). 3 submissions from 3 submitters: Uncertain significance (3). Last evaluated 2025-09-23.

Conditions:
Loeys-Dietz syndrome 2 (LDS2). Also called: AORTIC ANEURYSM, FAMILIAL THORACIC 3; MARFAN SYNDROME, TYPE II; Marfan syndrome, type 2 (formerly); Marfan Syndrome type 2; Marfan like connective tissue disorder; MFS 2. Identifiers: Orphanet 284973, Orphanet 558, MedGen C2674574, MONDO:0012427, OMIM 610168.

Allele frequency attached by ClinVar (database versions not stated): ExAC 0.00002; gnomAD exomes 0.00002 and 0.00006; gnomAD 0.00003; TOPMed 0.00003.
gnomAD v4.1: 93 of 1,613,812 alleles (0.0058%); highest among the groups gnomAD compares: Middle Eastern, 0.016%; no homozygotes.

Submissions (3):

Labcorp Genetics (formerly Invitae), Labcorp
Classification: Uncertain significance for Loeys-Dietz syndrome 2. Last evaluated: 2025-09-23. Review status: criteria provided, single submitter. Criteria: Invitae Variant Classification Sherloc (09022015). Collection method: clinical testing. Allele origin: germline.
Comment: This sequence change replaces isoleucine, which is neutral and non-polar, with valine, which is neutral and non-polar, at codon 628 of the TMPO protein (p.Ile628Val). This variant is present in population databases (rs765153747, gnomAD 0.006%). This variant has not been reported in the literature in individuals affected with TMPO-related conditions. ClinVar contains an entry for this variant (Variation ID: 449766). Invitae Evidence Modeling of protein sequence and biophysical properties (such as structural, functional, and spatial information, amino acid conservation, physicochemical variation, residue mobility, and thermodynamic stability) indicates that this missense variant is not expected to disrupt TMPO protein function with a negative predictive value of 80%. In summary, the available evidence is currently insufficient to determine the role of this variant in disease. Therefore, it has been classified as a Variant of Uncertain Significance.

Ambry Genetics
Classification: Uncertain significance. Last evaluated: 2025-08-24. Review status: criteria provided, single submitter. Criteria: Ambry Variant Classification Scheme 2023. Collection method: clinical testing. Allele origin: germline.

GeneDx
Classification: Uncertain significance. Last evaluated: 2020-01-20. Review status: criteria provided, single submitter. Criteria: GeneDx Variant Classification Process June 2021. Collection method: clinical testing. Allele origin: germline. Affected: yes.
Comment: Has not been previously published as pathogenic or benign to our knowledge; Reported in ClinVar as a variant of uncertain significance (ClinVar Variant ID# 449766; Landrum et al., 2016); In silico analysis, which includes protein predictors and evolutionary conservation, supports that this variant does not alter protein structure/function

NM_001032283.3(TMPO):c.565+2301A>G

Gene: TMPO (thymopoietin; plus strand). Cytogenetic location: 12q23.1.
Variant type: single nucleotide variant.
Coding change: c.565+2301A>G on transcript NM_001032283.3 (MANE Select); 2301 bases into the intron after coding-DNA position 565, A replaced by G.
Molecular consequence: intron variant. On other transcripts: missense variant (1).
Genome position (GRCh38, 1-based): chr12:98,534,139, A>G. VCF-style: chr12-98534139-A-G. GRCh37 (hg19) VCF-style: chr12-98927917-A-G.
Other names: c.1882A>G, p.Ile628Val (NM_003276.2); c.565+2301A>G (NM_001307975.2, NM_001032284.3); short protein forms I628V.
Identifiers: ClinVar variation 449766 (VCV000449766.16), dbSNP rs765153747, ClinGen allele CA6732510.